The following is an entry in ClinVar:

NM_001127222.2(CACNA1A):c.6060C>G (p.His2020Gln)

Gene: CACNA1A (calcium voltage-gated channel subunit alpha1 A; minus strand). Cytogenetic location: 19p13.13.
Variant type: single nucleotide variant.
Coding change: c.6060C>G on transcript NM_001127222.2 (MANE Select); coding-DNA position 6060, C replaced by G.
Protein change: p.His2020Gln; replaces histidine 2020 with glutamine.
Molecular consequence: missense variant.
Genome position (GRCh38, 1-based): chr19:13,212,513, G>C on the plus strand (C>G on the coding strand, the complement: CACNA1A is on the minus strand). VCF-style: chr19-13212513-G-C. GRCh37 (hg19) VCF-style: chr19-13323327-G-C.
Other names: c.6078C>G, p.His2026Gln (NM_000068.4, NM_023035.3); c.6063C>G, p.His2021Gln (NM_001127221.2); c.6069C>G, p.His2023Gln (NM_001174080.2); short protein forms H2020Q, H2021Q, H2023Q, H2026Q.
Identifiers: ClinVar variation 3754146 (VCV003754146.2).

ClinVar aggregate classification (germline): Uncertain significance (1 of 4 stars; one submission).

Conditions:
Episodic ataxia type 2 (EA2). Also called: ATAXIA, EPISODIC, WITH NYSTAGMUS; ATAXIA, FAMILIAL PAROXYSMAL; ACETAZOLAMIDE-RESPONSIVE HEREDITARY PAROXYSMAL CEREBELLAR ATAXIA; CEREBELLAR ATAXIA, PAROXYSMAL, ACETAZOLAMIDE-RESPONSIVE; CEREBELLOPATHY, HEREDITARY PAROXYSMAL; EPISODIC ATAXIA, NYSTAGMUS-ASSOCIATED. Identifiers: Orphanet 97, MedGen C1720416, MONDO:0007163, OMIM 108500.
Developmental and epileptic encephalopathy, 42 (DEE42A). Also called: Epileptic encephalopathy, early infantile, 42; DEVELOPMENTAL AND EPILEPTIC ENCEPHALOPATHY 42A; EPILEPTIC ENCEPHALOPATHY, EARLY INFANTILE, 42A. Identifiers: MedGen C4310716, MONDO:0014917, OMIM 617106.

Submission:

Labcorp Genetics (formerly Invitae), Labcorp
Classification: Uncertain significance for Developmental and epileptic encephalopathy, 42; Episodic ataxia type 2. Last evaluated: 2024-08-26. Review status: criteria provided, single submitter. Criteria: Invitae Variant Classification Sherloc (09022015). Collection method: clinical testing. Allele origin: germline.
Comment: This sequence change replaces histidine, which is basic and polar, with glutamine, which is neutral and polar, at codon 2021 of the CACNA1A protein (p.His2021Gln). This variant is not present in population databases (gnomAD no frequency). This variant has not been reported in the literature in individuals affected with CACNA1A-related conditions. Invitae Evidence Modeling of protein sequence and biophysical properties (such as structural, functional, and spatial information, amino acid conservation, physicochemical variation, residue mobility, and thermodynamic stability) indicates that this missense variant is not expected to disrupt CACNA1A protein function with a negative predictive value of 95%. In summary, the available evidence is currently insufficient to determine the role of this variant in disease. Therefore, it has been classified as a Variant of Uncertain Significance.